The following is an entry in ClinVar:

NM_000245.4(MET):c.3599T>C (p.Phe1200Ser)

Gene: MET (MET proto-oncogene, receptor tyrosine kinase; plus strand). Cytogenetic location: 7q31.2.
Variant type: single nucleotide variant.
Coding change: c.3599T>C on transcript NM_000245.4 (MANE Select); coding-DNA position 3599, T replaced by C.
Protein change: p.Phe1200Ser; replaces phenylalanine 1200 with serine.
Molecular consequence: missense variant.
Genome position (GRCh38, 1-based): chr7:116,782,064, T>C. VCF-style: chr7-116782064-T-C. GRCh37 (hg19) VCF-style: chr7-116422118-T-C.
Other names: c.3653T>C, p.Phe1218Ser (NM_001127500.3); c.2309T>C, p.Phe770Ser (NM_001324402.2); short protein forms F1200S, F1218S, F770S.
Identifiers: ClinVar variation 3232984 (VCV003232984.1), dbSNP rs2117060416, ClinGen allele CA368991149.
Genomic context (GRCh38, chr7:116,782,064, plus strand): 5'-ATCTTATTGGCTTTGGTCTTCAAGTAGCCAAAGGCATGAAATATCTTGCAAGCAAAAAGT[T>C]TGTCCACAGAGACTTGGCTGCAAGAAACTGTATGTAAGTATCAGAATCTCTGTGCCACAA-3'
Protein context (NP_000236.2, residues 1190-1210): KGMKYLASKK[Phe1200Ser]VHRDLAARNC

ClinVar aggregate classification (germline): Uncertain significance (1 of 4 stars; one submission).

Conditions:
Hereditary cancer-predisposing syndrome. Also called: Neoplastic Syndromes, Hereditary; Tumor predisposition; Hereditary neoplastic syndrome; Hereditary Cancer Syndrome. Identifiers: Orphanet 140162, MedGen C0027672, MeSH D009386, MONDO:0015356.

Submission:

Ambry Genetics
Classification: Uncertain significance for Hereditary cancer-predisposing syndrome. Last evaluated: 2023-10-16. Review status: criteria provided, single submitter. Criteria: Ambry Variant Classification Scheme 2023. Collection method: clinical testing. Allele origin: germline.
Comment: The p.F1218S variant (also known as c.3653T>C), located in coding exon 17 of the MET gene, results from a T to C substitution at nucleotide position 3653. The phenylalanine at codon 1218 is replaced by serine, an amino acid with highly dissimilar properties. This amino acid position is conserved. In addition, this alteration is predicted to be deleterious by in silico analysis. Since supporting evidence is limited at this time, the clinical significance of this alteration remains unclear.